The following is an entry in ClinVar:

NM_000138.5(FBN1):c.6146_6150del (p.Ser2049fs)

Gene: FBN1 (fibrillin 1; minus strand). Cytogenetic location: 15q21.1.
Variant type: Deletion.
Coding change: c.6146_6150del on transcript NM_000138.5 (MANE Select); coding-DNA positions 6146 to 6150, 5 bases deleted (GTGGA; older notation c.6146_6150delGTGGA).
Protein change: p.Ser2049fs; shifts the reading frame from serine 2049.
Molecular consequence: frameshift variant.
Genome position (GRCh38, 1-based): chr15:48,441,734-48,441,738, TCCAC deleted on the plus strand (GTGGA on the coding strand, the reverse complement: FBN1 is on the minus strand); deleting any 5 consecutive bases within chr15:48,441,734-48,441,739 gives the same sequence; the c. name uses the placement nearest the transcript's 3' end. VCF-style (leftmost placement, unchanged base first): chr15-48441733-TTCCAC-T. GRCh37 (hg19) VCF-style: chr15-48733930-TTCCAC-T.
Other names: c.6146_6150delGTGGA (NM_000138.4); short protein forms S2049fs.
Identifiers: ClinVar variation 519719 (VCV000519719.5), dbSNP rs1555395461, ClinGen allele CA658798331.

ClinVar aggregate classification (germline): Pathogenic (1 of 4 stars; one submission).

Conditions:
Familial thoracic aortic aneurysm and aortic dissection (TAAD). Also called: Thoracic aortic aneurysms and dissections. Identifiers: Orphanet 91387, MedGen C4707243, MONDO:0019625.

Submission:

Ambry Genetics
Classification: Pathogenic for Familial thoracic aortic aneurysm and aortic dissection. Last evaluated: 2016-06-03. Review status: criteria provided, single submitter. Criteria: Ambry Variant Classification Scheme 2023. Collection method: clinical testing. Allele origin: germline.
Comment: The c.6146_6150delGTGGA pathogenic mutation, located in coding exon 49 of the FBN1 gene, results from a deletion of 5 nucleotides between nucleotide positions 6146 and 6150, causing a translational frameshift with a predicted alternate stop codon (p.S2049Kfs*16). Since frameshifts are typically deleterious in nature, this alteration is interpreted as a disease-causing mutation (ACMG Recommendations for Standards for Interpretation and Reporting of Sequence Variations. Revision 2007. Genet Med. 2008;10:294).